The following is an entry in ClinVar:

ClinVar aggregate classification (germline): Uncertain significance. Review status: criteria provided, multiple submitters, no conflicts (2 of 4 stars). 3 submissions from 3 submitters: Uncertain significance (3). Last evaluated 2024-12-18.

Conditions:
Arrhythmogenic right ventricular dysplasia 11. Also called: Arrhythmogenic right ventricular dysplasia 11 with mild palmoplantar keratoderma and woolly hair; Arrhythmogenic Right Ventricular Dysplasia/Cardiomyopathy11; ARRHYTHMOGENIC RIGHT VENTRICULAR DYSPLASIA, FAMILIAL, 11. Identifiers: MedGen C1864850, MONDO:0012506, OMIM 610476.
Cardiovascular phenotype. Identifiers: MedGen CN230736.

Allele frequency attached by ClinVar (database versions not stated): TOPMed 0.00001; gnomAD 0.00001.
gnomAD v4.1: 1 of 1,613,750 alleles (0.000062%); highest among the groups gnomAD compares: African/African-American, 0.0013%; no homozygotes.

Submissions (3):

GeneDx
Classification: Uncertain significance. Last evaluated: 2024-12-18. Review status: criteria provided, single submitter. Criteria: GeneDx Variant Classification Process June 2021. Collection method: clinical testing. Allele origin: germline. Affected: yes.
Comment: Not observed at significant frequency in large population cohorts (gnomAD); In silico analysis supports that this missense variant has a deleterious effect on protein structure/function; Has not been previously published as pathogenic or benign to our knowledge

Ambry Genetics
Classification: Uncertain significance for Cardiovascular phenotype. Last evaluated: 2024-12-07. Review status: criteria provided, single submitter. Criteria: Ambry Variant Classification Scheme 2023. Collection method: clinical testing. Allele origin: germline.
Comment: The p.C898F variant (also known as c.2693G>T), located in coding exon 16 of the DSC2 gene, results from a G to T substitution at nucleotide position 2693. The cysteine at codon 898 is replaced by phenylalanine, an amino acid with highly dissimilar properties. This amino acid position is conserved. In addition, the in silico prediction for this alteration is inconclusive. Based on the available evidence, the clinical significance of this variant remains unclear.

Labcorp Genetics (formerly Invitae), Labcorp
Classification: Uncertain significance for Arrhythmogenic right ventricular dysplasia 11. Last evaluated: 2024-09-26. Review status: criteria provided, single submitter. Criteria: Invitae Variant Classification Sherloc (09022015). Collection method: clinical testing. Allele origin: germline.
Comment: This sequence change replaces cysteine, which is neutral and slightly polar, with phenylalanine, which is neutral and non-polar, at codon 898 of the DSC2 protein (p.Cys898Phe). This variant is not present in population databases (gnomAD no frequency). This variant has not been reported in the literature in individuals affected with DSC2-related conditions. ClinVar contains an entry for this variant (Variation ID: 2193223). An algorithm developed to predict the effect of missense changes on protein structure and function (PolyPhen-2) suggests that this variant is likely to be disruptive. In summary, the available evidence is currently insufficient to determine the role of this variant in disease. Therefore, it has been classified as a Variant of Uncertain Significance.

NM_024422.6(DSC2):c.2693G>T (p.Cys898Phe)

Gene: DSC2 (desmocollin 2; minus strand). Cytogenetic location: 18q12.1.
Variant type: single nucleotide variant.
Coding change: c.2693G>T on transcript NM_024422.6 (MANE Select); coding-DNA position 2693, G replaced by T.
Protein change: p.Cys898Phe; replaces cysteine 898 with phenylalanine.
Molecular consequence: missense variant. On other transcripts: 3 prime UTR variant (1).
Genome position (GRCh38, 1-based): chr18:31,068,028, C>A on the plus strand (G>T on the coding strand, the complement: DSC2 is on the minus strand). VCF-style: chr18-31068028-C-A. GRCh37 (hg19) VCF-style: chr18-28647994-C-A.
Other names: c.2693G>T (NM_024422.3); c.2264G>T, p.Cys755Phe (NM_001406506.1); c.*195G>T (NM_001406507.1, NM_004949.5); short protein forms C755F, C898F.
Identifiers: ClinVar variation 2193223 (VCV002193223.6), dbSNP rs1018167792, ClinGen allele CA297685206.